The following is an entry in ClinVar:

NM_001083619.3(GRIA2):c.312C>T (p.Cys104=)

Gene: GRIA2 (glutamate ionotropic receptor AMPA type subunit 2; plus strand). Cytogenetic location: 4q32.1.
Variant type: single nucleotide variant.
Coding change: c.312C>T on transcript NM_001083619.3 (MANE Select); coding-DNA position 312, C replaced by T.
Protein change: p.Cys104=; no amino-acid change (cysteine 104 retained).
Molecular consequence: synonymous variant.
Genome position (GRCh38, 1-based): chr4:157,303,634, C>T. VCF-style: chr4-157303634-C-T. GRCh37 (hg19) VCF-style: chr4-158224786-C-T.
Other names: c.312C>T, p.Cys104= (NM_000826.6); c.171C>T, p.Cys57= (NM_001083620.3, NM_001379000.3, NM_001379001.3).
Identifiers: ClinVar variation 5040862 (VCV005040862.1).
Genomic context (GRCh38, chr4:157,303,634, plus strand): 5'-AGTCTATGCTATTTTTGGATTTTATGACAAGAAGTCTGTAAATACCATCACATCATTTTG[C>T]GGAACACTCCACGTCTCCTTCATCACTCCCAGCTTCCCAACAGATGGCACACATCCATTT-3'
Protein context (NP_001077088.2, residues 94-114): KKSVNTITSF[Cys104=]GTLHVSFITP

ClinVar aggregate classification (germline): Likely benign (1 of 4 stars; one submission).

gnomAD v4.1: 34 of 1,613,790 alleles (0.0021%); highest among the groups gnomAD compares: Admixed American, 0.025%; no homozygotes.

Submission:

CeGaT Center for Human Genetics Tuebingen
Classification: Likely benign. Last evaluated: 2026-09-01. Review status: criteria provided, single submitter. Criteria: CeGaT Center For Human Genetics Tuebingen Variant Classification Criteria Version 2. Collection method: clinical testing. Allele origin: germline. Affected: yes. Observed: 1 variant allele.
Comment: GRIA2: BP4, BP7